The following is an entry in ClinVar:

NM_001127208.3(TET2):c.4457C>G (p.Ser1486Ter)

Genes: TET2 (tet methylcytosine dioxygenase 2; plus strand), TET2-AS1 (TET2 antisense RNA 1; minus strand). Cytogenetic location: 4q24.
Variant type: single nucleotide variant.
Coding change: c.4457C>G on transcript NM_001127208.3 (MANE Select); coding-DNA position 4457, C replaced by G.
Protein change: p.Ser1486Ter; replaces serine 1486 with a stop codon.
Molecular consequence: nonsense.
Genome position (GRCh38, 1-based): chr4:105,272,838, C>G. VCF-style: chr4-105272838-C-G. GRCh37 (hg19) VCF-style: chr4-106193995-C-G.
Other names: short protein forms S1486*.
Identifiers: ClinVar variation 2811552 (VCV002811552.3), dbSNP rs1376289450, ClinGen allele CA357811825.

ClinVar aggregate classification (germline): Uncertain significance (1 of 4 stars; one submission).

Allele frequency attached by ClinVar (database versions not stated): gnomAD exomes 0.00001.

Submission:

Labcorp Genetics (formerly Invitae), Labcorp
Classification: Uncertain significance. Last evaluated: 2022-11-02. Review status: criteria provided, single submitter. Criteria: Invitae Variant Classification Sherloc (09022015). Collection method: clinical testing. Allele origin: germline.
Comment: Experimental studies and prediction algorithms are not available or were not evaluated, and the functional significance of this variant is currently unknown. This sequence change creates a premature translational stop signal (p.Ser1486*) in the TET2 gene. It is expected to result in an absent or disrupted protein product. However, the current clinical and genetic evidence is not sufficient to establish whether loss-of-function variants in TET2 cause disease. This variant is present in population databases (no rsID available, gnomAD 0.002%). This variant has not been reported in the literature in individuals affected with TET2-related conditions. In summary, the available evidence is currently insufficient to determine the role of this variant in disease. Therefore, it has been classified as a Variant of Uncertain Significance.